The following is an entry in ClinVar:

NM_002047.4(GARS1):c.349G>A (p.Asp117Asn)

Gene: GARS1 (glycyl-tRNA synthetase 1; plus strand). Cytogenetic location: 7p14.3.
Variant type: single nucleotide variant.
Coding change: c.349G>A on transcript NM_002047.4 (MANE Select); coding-DNA position 349, G replaced by A.
Protein change: p.Asp117Asn; replaces aspartic acid 117 with asparagine.
Molecular consequence: missense variant.
Genome position (GRCh38, 1-based): chr7:30,599,971, G>A. VCF-style: chr7-30599971-G-A. GRCh37 (hg19) VCF-style: chr7-30639587-G-A.
Other names: c.187G>A, p.Asp63Asn (NM_001316772.1); short protein forms D63N, D117N.
Identifiers: ClinVar variation 3674644 (VCV003674644.2).

ClinVar aggregate classification (germline): Uncertain significance (1 of 4 stars; one submission).

Conditions:
Charcot-Marie-Tooth disease type 2. Also called: Charcot-Marie-Tooth type 2. Identifiers: Orphanet 64746, MedGen C0270914, MONDO:0018993.

Submission:

Labcorp Genetics (formerly Invitae), Labcorp
Classification: Uncertain significance for Charcot-Marie-Tooth disease type 2. Last evaluated: 2024-06-22. Review status: criteria provided, single submitter. Criteria: Invitae Variant Classification Sherloc (09022015). Collection method: clinical testing. Allele origin: germline.
Comment: This sequence change replaces aspartic acid, which is acidic and polar, with asparagine, which is neutral and polar, at codon 117 of the GARS protein (p.Asp117Asn). This variant is not present in population databases (gnomAD no frequency). This variant has not been reported in the literature in individuals affected with GARS-related conditions. Advanced modeling of protein sequence and biophysical properties (such as structural, functional, and spatial information, amino acid conservation, physicochemical variation, residue mobility, and thermodynamic stability) performed at Invitae indicates that this missense variant is not expected to disrupt GARS protein function with a negative predictive value of 95%. In summary, the available evidence is currently insufficient to determine the role of this variant in disease. Therefore, it has been classified as a Variant of Uncertain Significance.